The following is an entry in ClinVar:

ClinVar aggregate classification (germline): Likely pathogenic (1 of 4 stars; one submission).

gnomAD v4.1: 71 of 1,613,946 alleles (0.0044%); highest among the groups gnomAD compares: Non-Finnish European, 0.0052%; 2 homozygotes.

Submission:

Labcorp Genetics (formerly Invitae), Labcorp
Classification: Likely pathogenic. Last evaluated: 2022-05-20. Review status: criteria provided, single submitter. Criteria: Invitae Variant Classification Sherloc (09022015). Collection method: clinical testing. Allele origin: germline.
Comment: This sequence change replaces glycine, which is neutral and non-polar, with arginine, which is basic and polar, at codon 474 of the TBXAS1 protein (p.Gly474Arg). In summary, the currently available evidence indicates that the variant is pathogenic, but additional data are needed to prove that conclusively. Therefore, this variant has been classified as Likely Pathogenic. This variant disrupts the p.Gly474 amino acid residue in TBXAS1. Other variant(s) that disrupt this residue have been determined to be pathogenic (PMID: 33595912). This suggests that this residue is clinically significant, and that variants that disrupt this residue are likely to be disease-causing. Algorithms developed to predict the effect of sequence changes on RNA splicing suggest that this variant may create or strengthen a splice site. Advanced modeling of protein sequence and biophysical properties (such as structural, functional, and spatial information, amino acid conservation, physicochemical variation, residue mobility, and thermodynamic stability) performed at Invitae indicates that this missense variant is expected to disrupt TBXAS1 protein function. This variant has not been reported in the literature in individuals affected with TBXAS1-related conditions. This variant is present in population databases (rs149988492, gnomAD 0.003%).

Literature cited by the submitters: PubMed 33595912.

NM_001061.7(TBXAS1):c.1417G>A (p.Gly473Arg)

Gene: TBXAS1 (thromboxane A synthase 1; plus strand). Cytogenetic location: 7q34.
Variant type: single nucleotide variant.
Coding change: c.1417G>A on transcript NM_001061.7 (MANE Select); coding-DNA position 1417, G replaced by A.
Protein change: p.Gly473Arg; replaces glycine 473 with arginine.
Molecular consequence: missense variant. On other transcripts: intron variant (1).
Genome position (GRCh38, 1-based): chr7:140,017,723, G>A. VCF-style: chr7-140017723-G-A. GRCh37 (hg19) VCF-style: chr7-139717523-G-A.
Other names: c.1417G>A, p.Gly473Arg (NM_001130966.5); c.1555G>A, p.Gly519Arg (NM_001166253.4); c.1216G>A, p.Gly406Arg (NM_001166254.4); c.1360G>A, p.Gly454Arg (NM_001314028.4); c.1234G>A, p.Gly412Arg (NM_001366537.3); c.1364+1863G>A (NM_030984.6); short protein forms G412R, G473R, G474R, G406R, G454R, G519R, G520R.
Identifiers: ClinVar variation 1967396 (VCV001967396.5), dbSNP rs149988492, ClinGen allele CA4512040.